The following is an entry in ClinVar:

NM_004700.4(KCNQ4):c.1502C>T (p.Thr501Ile)

Gene: KCNQ4 (potassium voltage-gated channel subfamily Q member 4; plus strand). Cytogenetic location: 1p34.2.
Variant type: single nucleotide variant.
Coding change: c.1502C>T on transcript NM_004700.4 (MANE Select); coding-DNA position 1502, C replaced by T.
Protein change: p.Thr501Ile; replaces threonine 501 with isoleucine.
Molecular consequence: missense variant.
Genome position (GRCh38, 1-based): chr1:40,831,293, C>T. VCF-style: chr1-40831293-C-T. GRCh37 (hg19) VCF-style: chr1-41296965-C-T.
Other names: c.1340C>T, p.Thr447Ile (NM_172163.3); short protein forms T447I, T501I.
Identifiers: ClinVar variation 1339804 (VCV001339804.3), dbSNP rs200391496, ClinGen allele CA794896.

ClinVar aggregate classification (germline): Uncertain significance (1 of 4 stars; one submission).

Conditions:
Autosomal dominant nonsyndromic hearing loss 2A. Also called: DFNA2 Nonsyndromic Hearing Loss; Deafness, autosomal dominant 2A; Autosomal dominant nonsyndromic deafness 2A. Identifiers: Orphanet 90635, MedGen C2677637, MONDO:0010817, OMIM 600101.
KCNQ4-related disorder. Also called: KCNQ4-related condition.

Allele frequency attached by ClinVar (database versions not stated): gnomAD 0.00002; gnomAD exomes 0.00002 and 0.00004; ExAC 0.00003; TOPMed 0.00003; ESP Exome Variant Server 0.00008.
gnomAD v4.1: 65 of 1,599,006 alleles (0.0041%); highest among the groups gnomAD compares: Non-Finnish European, 0.0049%; no homozygotes.

Submission:

PreventionGenetics, part of Exact Sciences
Classification: Uncertain significance for KCNQ4-related condition. Last evaluated: 2026-01-13. Review status: criteria provided, single submitter. Criteria: ACMG Guidelines, 2015. Collection method: clinical testing. Allele origin: germline.
Comment: The KCNQ4 c.1502C>T variant is predicted to result in the amino acid substitution p.Thr501Ile. To our knowledge, this variant has not been reported in the literature. This variant is reported in 0.0054% of alleles in individuals of European (Non-Finnish) descent in gnomAD. At this time, the clinical significance of this variant is uncertain due to the absence of conclusive functional and genetic evidence.